The following is an entry in ClinVar:

NM_172362.3(KCNH1):c.652A>G (p.Thr218Ala)

Gene: KCNH1 (potassium voltage-gated channel subfamily H member 1; minus strand). Cytogenetic location: 1q32.2.
Variant type: single nucleotide variant.
Coding change: c.652A>G on transcript NM_172362.3 (MANE Select); coding-DNA position 652, A replaced by G.
Protein change: p.Thr218Ala; replaces threonine 218 with alanine.
Molecular consequence: missense variant.
Genome position (GRCh38, 1-based): chr1:211,019,163, T>C on the plus strand (A>G on the coding strand, the complement: KCNH1 is on the minus strand). VCF-style: chr1-211019163-T-C. GRCh37 (hg19) VCF-style: chr1-211192505-T-C.
Other names: c.652A>G (NM_172362.2); c.652A>G, p.Thr218Ala (NM_002238.4); short protein forms T218A.
Identifiers: ClinVar variation 1435751 (VCV001435751.9), dbSNP rs200444441, ClinGen allele CA1379979.
Genomic context (GRCh38, chr1:211,019,163, plus strand): 5'-TATAAGGGACCAAGATGGCTGTATAGAAGGTCAAGATCAAGATGATCCAATCCCACGTGG[T>C]CTTAAAAACACAATAATGTAAGATGATGTGAGGGGGAGTCTTTGGTGCCTCTTGCTTGTA-3'
Protein context (NP_758872.1, residues 208-228): HIILHYCVFK[Thr218Ala]TWDWIILILT

ClinVar aggregate classification (germline): Conflicting classifications of pathogenicity. Review status: criteria provided, conflicting classifications (1 of 4 stars). 3 submissions from 3 submitters: Uncertain significance (2); Benign (1). Last evaluated 2024-03-26.

Conditions:
Inborn genetic diseases. Identifiers: MedGen C0950123, MeSH D030342.

Allele frequency attached by ClinVar (database versions not stated): ExAC 0.00001; gnomAD 0.00001; gnomAD exomes 0.00001; TOPMed 0.00001; 1000 Genomes Project 30x 0.00016; 1000 Genomes Project 0.00020.
gnomAD v4.1: 10 of 1,613,874 alleles (0.00062%); highest among the groups gnomAD compares: Admixed American, 0.0067%; no homozygotes.

Submissions (3):

Women's Health and Genetics/Laboratory Corporation of America, LabCorp
Classification: Uncertain significance. Last evaluated: 2024-03-26. Review status: criteria provided, single submitter. Criteria: LabCorp Variant Classification Summary - May 2015. Collection method: clinical testing. Allele origin: germline.
Comment: Variant summary: KCNH1 c.652A>G (p.Thr218Ala) results in a non-conservative amino acid change in the encoded protein sequence. Three of five in-silico tools predict a damaging effect of the variant on protein function. The variant allele was found at a frequency of 1.2e-05 in 250974 control chromosomes (gnomAD). The available data on variant occurrences in the general population are insufficient to allow any conclusion about variant significance. To our knowledge, no occurrence of c.652A>G in individuals affected with KCNH1-Related Disorders and no experimental evidence demonstrating its impact on protein function have been reported. ClinVar contains an entry for this variant (Variation ID: 1435751). Based on the evidence outlined above, the variant was classified as uncertain significance.

Labcorp Genetics (formerly Invitae), Labcorp
Classification: Benign. Last evaluated: 2022-08-09. Review status: criteria provided, single submitter. Criteria: Invitae Variant Classification Sherloc (09022015). Collection method: clinical testing. Allele origin: germline.

Ambry Genetics
Classification: Uncertain significance for Inborn genetic diseases. Last evaluated: 2021-08-02. Review status: criteria provided, single submitter. Criteria: Ambry Variant Classification Scheme 2023. Collection method: clinical testing. Allele origin: germline.